The following is an entry in ClinVar:

NM_006005.3(WFS1):c.1725C>T (p.Ala575=)

Gene: WFS1 (wolframin ER transmembrane glycoprotein; plus strand). Cytogenetic location: 4p16.1.
Variant type: single nucleotide variant.
Coding change: c.1725C>T on transcript NM_006005.3 (MANE Select); coding-DNA position 1725, C replaced by T.
Protein change: p.Ala575=; no amino-acid change (alanine 575 retained).
Molecular consequence: synonymous variant.
Genome position (GRCh38, 1-based): chr4:6,301,520, C>T. VCF-style: chr4-6301520-C-T. GRCh37 (hg19) VCF-style: chr4-6303247-C-T.
Other names: p.A575A:GCC>GCT; p.Ala575=; c.1725C>T, p.Ala575= (NM_001145853.1).
Identifiers: ClinVar variation 45438 (VCV000045438.28), dbSNP rs2230719, ClinGen allele CA282574.

ClinVar aggregate classification (germline): Benign. Review status: criteria provided, multiple submitters, no conflicts (2 of 4 stars). 11 submissions from 10 submitters: Benign (10). 1 of the submissions does not count toward it. Last evaluated 2026-02-03.

Conditions:
WFS1-Related Spectrum Disorders.
Autosomal dominant nonsyndromic hearing loss 6 (LFSNHL). Also called: DEAFNESS, AUTOSOMAL DOMINANT 6; DEAFNESS, AUTOSOMAL DOMINANT 14; DEAFNESS, AUTOSOMAL DOMINANT 38; Autosomal dominant nonsyndromic deafness 6. Identifiers: Orphanet 90635, MedGen C1833021, MONDO:0010963, OMIM 600965.

Allele frequency attached by ClinVar (database versions not stated): 1000 Genomes Project 0.04453; 1000 Genomes Project 30x 0.04841; TOPMed 0.07011; ESP Exome Variant Server 0.07243.
gnomAD v4.1: 113,488 of 1,613,824 alleles (7%); highest among the groups gnomAD compares: Middle Eastern, 12%; 4,444 homozygotes.

Submissions (11):

Labcorp Genetics (formerly Invitae), Labcorp
Classification: Benign. Last evaluated: 2026-02-03. Review status: criteria provided, single submitter. Criteria: Invitae Variant Classification Sherloc (09022015). Collection method: clinical testing. Allele origin: germline.

Blueprint Genetics
Classification: Benign. Last evaluated: 2024-11-26. Review status: criteria provided, single submitter. Criteria: ACMG Guidelines, 2015. Collection method: clinical testing. Allele origin: germline.

Mayo Clinic Laboratories, Mayo Clinic
Classification: Benign. Last evaluated: 2022-03-24. Review status: criteria provided, single submitter. Criteria: ACMG Guidelines, 2015. Collection method: clinical testing. Allele origin: germline. Observed: 89 variant alleles.

Illumina Laboratory Services, Illumina
Classification: Benign for Autosomal dominant nonsyndromic hearing loss 6. Last evaluated: 2018-01-12. Review status: criteria provided, single submitter. Criteria: ICSL Variant Classification Criteria 13 December 2019. Collection method: clinical testing. Allele origin: germline.
Comment: This variant was observed in the ICSL laboratory as part of a predisposition screen in an ostensibly healthy population. It had not been previously curated by ICSL or reported in the Human Gene Mutation Database (HGMD: prior to June 1st, 2018), and was therefore a candidate for classification through an automated scoring system. Utilizing variant allele frequency, disease prevalence and penetrance estimates, and inheritance mode, an automated score was calculated to assess if this variant is too frequent to cause the disease. Based on the score and internal cut-off values, a variant classified as benign is not then subjected to further curation. The score for this variant resulted in a classification of benign for this disease.

Illumina Laboratory Services, Illumina
Classification: Benign for WFS1-Related Spectrum Disorders. Last evaluated: 2018-01-12. Review status: criteria provided, single submitter. Criteria: ICSL Variant Classification Criteria 13 December 2019. Collection method: clinical testing. Allele origin: germline.
Comment: the same text as in the submission from Illumina Laboratory Services, Illumina above.

Eurofins Ntd Llc (ga)
Classification: Benign. Last evaluated: 2013-11-20. Review status: criteria provided, single submitter. Criteria: EGL Classification Definitions 2015. Collection method: clinical testing. Allele origin: germline. Observed: 8 variant alleles, 8 heterozygotes.

GeneDx
Classification: Benign. Last evaluated: 2012-05-22. Review status: criteria provided, single submitter. Criteria: GeneDx Variant Classification (06012015). Collection method: clinical testing. Allele origin: germline. Affected: yes.
Comment: This variant is considered likely benign or benign based on one or more of the following criteria: it is a conservative change, it occurs at a poorly conserved position in the protein, it is predicted to be benign by multiple in silico algorithms, and/or has population frequency not consistent with disease.

Laboratory for Molecular Medicine, Mass General Brigham Personalized Medicine
Classification: Benign. Last evaluated: 2012-05-07. Review status: criteria provided, single submitter. Criteria: LMM Criteria. Collection method: clinical testing. Allele origin: germline. Observed: 184 variant alleles.
Comment: "Ala575Ala in Exon 08 of WFS1: This variant is not expected to have clinical sig nificance because it does not alter an amino acid residue, is not located within the splice consensus sequence, and has been identified in 7.3% (274/3738) of Af rican American chromosomes from a broad population by the NHLBI Exome Sequencing Project (dbSNP rs2230719)."

Breakthrough Genomics
Classification: Benign. Review status: criteria provided, single submitter. Criteria: ACMG Guidelines, 2015. Collection method: not provided. Allele origin: germline. Inheritance: Autosomal recessive inheritance. Affected: yes.

PreventionGenetics, part of Exact Sciences
Classification: Benign. Review status: criteria provided, single submitter. Criteria: ACMG Guidelines, 2015. Collection method: clinical testing. Allele origin: germline.

Genetic Services Laboratory, University of Chicago
Classification: Likely benign for AllHighlyPenetrant. Review status: no assertion criteria provided. Collection method: clinical testing. Allele origin: germline. Inheritance: Autosomal recessive inheritance. Not counted in ClinVar's aggregate classification.
Comment: Likely benign based on allele frequency in 1000 Genomes Project or ESP global frequency and its presence in a patient with a rare or unrelated disease phenotype. NOT Sanger confirmed.